The following is an entry in ClinVar:

ClinVar aggregate classification (germline): Uncertain significance (1 of 4 stars; one submission).

Conditions:
Familial thoracic aortic aneurysm and aortic dissection (TAAD). Also called: Thoracic aortic aneurysms and dissections. Identifiers: Orphanet 91387, MedGen C4707243, MONDO:0019625.

Submission:

Color Diagnostics, LLC DBA Color Health
Classification: Uncertain significance for Familial thoracic aortic aneurysm and aortic dissection. Last evaluated: 2024-03-07. Review status: criteria provided, single submitter. Criteria: ACMG Guidelines, 2015. Collection method: clinical testing. Allele origin: germline.
Comment: This missense variant replaces leucine with arginine at codon 2006 of the FBN1 protein. Computational prediction suggests that this variant may have deleterious impact on protein structure and function (internally defined REVEL score threshold >= 0.7, PMID: 27666373). Splice site prediction tools suggest that this variant may not impact RNA splicing. To our knowledge, functional studies have not been performed for this variant. This variant has not been reported in individuals affected with cardiovascular disorders in the literature. This variant has not been identified in the general population by the Genome Aggregation Database (gnomAD). The available evidence is insufficient to determine the role of this variant in disease conclusively. Therefore, this variant is classified as a Variant of Uncertain Significance.

NM_000138.5(FBN1):c.6017T>G (p.Leu2006Arg)

Gene: FBN1 (fibrillin 1; minus strand). Cytogenetic location: 15q21.1.
Variant type: single nucleotide variant.
Coding change: c.6017T>G on transcript NM_000138.5 (MANE Select); coding-DNA position 6017, T replaced by G.
Protein change: p.Leu2006Arg; replaces leucine 2006 with arginine.
Molecular consequence: missense variant.
Genome position (GRCh38, 1-based): chr15:48,444,561, A>C on the plus strand (T>G on the coding strand, the complement: FBN1 is on the minus strand). VCF-style: chr15-48444561-A-C. GRCh37 (hg19) VCF-style: chr15-48736758-A-C.
Other names: short protein forms L2006R.
Identifiers: ClinVar variation 918784 (VCV000918784.4), dbSNP rs772214666, ClinGen allele CA392339573.